The following is an entry in ClinVar:

NM_002691.4(POLD1):c.2988G>A (p.Thr996=)

Gene: POLD1 (DNA polymerase delta 1, catalytic subunit; plus strand). Cytogenetic location: 19q13.33.
Variant type: single nucleotide variant.
Coding change: c.2988G>A on transcript NM_002691.4 (MANE Select); coding-DNA position 2988, G replaced by A.
Protein change: p.Thr996=; no amino-acid change (threonine 996 retained).
Molecular consequence: synonymous variant. On other transcripts: non-coding transcript variant (1).
Genome position (GRCh38, 1-based): chr19:50,416,644, G>A. VCF-style: chr19-50416644-G-A. GRCh37 (hg19) VCF-style: chr19-50919901-G-A.
Other names: p.Thr996=; c.2988G>A, p.Thr996= (NM_001256849.1); c.3066G>A, p.Thr1022= (NM_001308632.1).
Identifiers: ClinVar variation 389720 (VCV000389720.62), dbSNP rs542996664, ClinGen allele CA9596722.

ClinVar aggregate classification (germline): Benign/Likely benign. Review status: criteria provided, multiple submitters, no conflicts (2 of 4 stars). 8 submissions from 8 submitters: Benign (1); Likely benign (5). 2 of the submissions do not count toward it. Last evaluated 2026-01-26.

Conditions:
Hereditary cancer-predisposing syndrome. Also called: Neoplastic Syndromes, Hereditary; Hereditary neoplastic syndrome; Hereditary Cancer Syndrome; Tumor predisposition. Identifiers: Orphanet 140162, MedGen C0027672, MeSH D009386, MONDO:0015356.
POLD1-related polyposis and colorectal cancer syndrome (CRCS10). Also called: Colorectal cancer, susceptibility to, 10; Colorectal cancer 10; COLORECTAL CANCER, SUSCEPTIBILITY TO, ON CHROMOSOME 19q. Identifiers: Orphanet 220460, MedGen C2675481, MONDO:0012953, OMIM 612591.
POLD1-related disorder. Also called: POLD1-related disorders; POLD1-related condition.
Endometrial carcinoma. Also called: Endometrial carcinoma, somatic. Identifiers: MedGen C0476089, MONDO:0002447, OMIM 608089, HP:0012114.

Allele frequency attached by ClinVar (database versions not stated): TOPMed 0.00001; gnomAD exomes 0.00007; ExAC 0.00016.

Submissions (8):

Labcorp Genetics (formerly Invitae), Labcorp
Classification: Likely benign for POLD1-related polyposis and colorectal cancer syndrome. Last evaluated: 2026-01-26. Review status: criteria provided, single submitter. Criteria: Invitae Variant Classification Sherloc (09022015). Collection method: clinical testing. Allele origin: germline.

Mayo Clinic Laboratories, Mayo Clinic
Classification: Likely benign. Last evaluated: 2025-07-10. Review status: criteria provided, single submitter. Criteria: ACMG Guidelines, 2015. Collection method: clinical testing. Allele origin: germline. Observed: 3 variant alleles.
Comment: BP4, BP7

Blueprint Genetics
Classification: Likely benign. Last evaluated: 2024-11-04. Review status: criteria provided, single submitter. Criteria: ACMG Guidelines, 2015. Collection method: clinical testing. Allele origin: germline.

GeneDx
Classification: Likely benign. Last evaluated: 2018-07-10. Review status: criteria provided, single submitter. Criteria: GeneDx Variant Classification Process June 2021. Collection method: clinical testing. Allele origin: germline. Affected: yes.

Quest Diagnostics Nichols Institute San Juan Capistrano
Classification: Benign. Last evaluated: 2018-01-12. Review status: criteria provided, single submitter. Criteria: Quest Diagnostics criteria. Collection method: clinical testing. Allele origin: germline.

Ambry Genetics
Classification: Likely benign for Hereditary cancer-predisposing syndrome. Last evaluated: 2015-08-20. Review status: criteria provided, single submitter. Criteria: Ambry Variant Classification Scheme 2023. Collection method: clinical testing. Allele origin: germline.

PreventionGenetics, part of Exact Sciences
Classification: Likely benign for POLD1-related condition. Last evaluated: 2024-03-25. Review status: no assertion criteria provided. Collection method: clinical testing. Allele origin: germline. Not counted in ClinVar's aggregate classification.
Comment: This variant is classified as likely benign based on ACMG/AMP sequence variant interpretation guidelines (Richards et al. 2015 PMID: 25741868, with internal and published modifications).

Department of Pathology and Laboratory Medicine, Sinai Health System
Classification: Likely benign for Endometrial carcinoma. Review status: no assertion criteria provided. Collection method: clinical testing. Allele origin: unknown. Affected: yes. Observed: 1 variant allele. Study: The Canadian Open Genetics Repository (COGR). Not counted in ClinVar's aggregate classification.
Comment: The POLD1 p.Thr996= variant was not identified in the literature nor was it identified in the Cosmic and MutDB databases. The variant was identified in dbSNP (ID: rs542996664 as â€šÃ„ÃºWith Likely benign alleleâ€šÃ„Ã¹) and ClinVar (classified likely benign by GeneDx, Invitae and Ambry Genetics). The variant was identified in control databases in 11 of 164106 chromosomes at a frequency of 0.00007 (Genome Aggregation Database Feb 27, 2017). The variant was observed in the following populations: African in 1 of 8696 chromosomes (freq: 0.0001), Ashkenazi Jewish in 1 of 8322 chromosomes (freq: 0.0001), and South Asian in 9 of 24420 chromosomes (freq: 0.0004); it was not observed in the Other, Latino, European Non-Finnish, East Asian, or Finnish populations. The p.Thr996= variant is not expected to have clinical significance because it does not result in a change of amino acid and is not located in a known consensus splice site. In addition, 4 of 4 in silico or computational prediction software programs (SpliceSiteFinder, MaxEntScan, NNSPLICE, GeneSplicer) do not predict a difference in splicing. In summary, based on the above information the clinical significance of this variant cannot be determined with certainty at this time although we would lean towards a more benign role for this variant. This variant is classified as likely benign.